The following is an entry in ClinVar:

NM_002185.5(IL7R):c.*2568G>T

Gene: IL7R (interleukin 7 receptor; plus strand). Cytogenetic location: 5p13.2.
Variant type: single nucleotide variant.
Coding change: c.*2568G>T on transcript NM_002185.5 (MANE Select); 2568 bases downstream of the stop codon, G replaced by T.
Molecular consequence: 3 prime UTR variant. On other transcripts: non-coding transcript variant (1).
Genome position (GRCh38, 1-based): chr5:35,879,054, G>T. VCF-style: chr5-35879054-G-T. GRCh37 (hg19) VCF-style: chr5-35879156-G-T.
Identifiers: ClinVar variation 906318 (VCV000906318.5), dbSNP rs6881706, ClinGen allele CA12050287.

ClinVar aggregate classification (germline): Benign. Review status: criteria provided, multiple submitters, no conflicts (2 of 4 stars). 2 submissions from 2 submitters: Benign (2). Last evaluated 2018-01-12.

Conditions:
Immunodeficiency 104. Also called: IMMUNODEFICIENCY 104, SEVERE COMBINED; Severe combined immunodeficiency, autosomal recessive, T cell-negative, B cell-positive, NK cell-positive; SCID, AUTOSOMAL RECESSIVE, T CELL-NEGATIVE, B CELL-POSITIVE, NK CELL-POSITIVE; Severe Combined Immune Deficiency, Autosomal Recessive, TCell -Negative, B Cell-Positive, NK Cell-Positive, IL7R-Related. Identifiers: MedGen C5676890, MONDO:0012163, OMIM 608971.

Allele frequency attached by ClinVar (database versions not stated): 1000 Genomes Project 30x 0.22845; 1000 Genomes Project 0.22903; TOPMed 0.23212; gnomAD exomes 0.24831.

Submissions (2):

Illumina Laboratory Services, Illumina
Classification: Benign for Immunodeficiency 104. Last evaluated: 2018-01-12. Review status: criteria provided, single submitter. Criteria: ICSL Variant Classification Criteria 13 December 2019. Collection method: clinical testing. Allele origin: germline.
Comment: This variant was observed in the ICSL laboratory as part of a predisposition screen in an ostensibly healthy population. It had not been previously curated by ICSL or reported in the Human Gene Mutation Database (HGMD: prior to June 1st, 2018), and was therefore a candidate for classification through an automated scoring system. Utilizing variant allele frequency, disease prevalence and penetrance estimates, and inheritance mode, an automated score was calculated to assess if this variant is too frequent to cause the disease. Based on the score and internal cut-off values, a variant classified as benign is not then subjected to further curation. The score for this variant resulted in a classification of benign for this disease.

Breakthrough Genomics
Classification: Benign. Review status: criteria provided, single submitter. Criteria: ACMG Guidelines, 2015. Collection method: not provided. Allele origin: germline. Inheritance: Autosomal recessive inheritance. Affected: yes.